The following is an entry in ClinVar:

ClinVar aggregate classification (germline): Benign (1 of 4 stars; one submission).

Conditions:
Oligodontia-cancer predisposition syndrome. Also called: TOOTH AGENESIS-COLORECTAL CANCER SYNDROME. Identifiers: Orphanet 300576, MedGen C1837750, MONDO:0012075, OMIM 608615. Disease mechanism: loss of function.

Submission:

Myriad Genetics, Inc.
Classification: Benign for Oligodontia-cancer predisposition syndrome. Last evaluated: 2024-07-02. Review status: criteria provided, single submitter. Criteria: Myriad Autosomal Dominant, Autosomal Recessive and X-Linked Classification Criteria (2023). Collection method: clinical testing. Allele origin: unknown.
Comment: This variant is considered benign. This variant is a silent/synonymous amino acid change and it is not expected to impact splicing.

NM_004655.4(AXIN2):c.1359G>A (p.Gln453=)

Gene: AXIN2 (axin 2; minus strand). Cytogenetic location: 17q24.1.
Variant type: single nucleotide variant.
Coding change: c.1359G>A on transcript NM_004655.4 (MANE Select); coding-DNA position 1359, G replaced by A.
Protein change: p.Gln453=; no amino-acid change (glutamine 453 retained).
Molecular consequence: synonymous variant.
Genome position (GRCh38, 1-based): chr17:65,537,677, C>T on the plus strand (G>A on the coding strand, the complement: AXIN2 is on the minus strand). VCF-style: chr17-65537677-C-T. GRCh37 (hg19) VCF-style: chr17-63533795-C-T.
Other names: c.1359G>A, p.Gln453= (NM_001363813.1).
Identifiers: ClinVar variation 3378973 (VCV003378973.1).